The following is an entry in ClinVar:

NM_016156.6(MTMR2):c.884G>T (p.Arg295Leu)

Gene: MTMR2 (myotubularin related protein 2; minus strand). Cytogenetic location: 11q21.
Variant type: single nucleotide variant.
Coding change: c.884G>T on transcript NM_016156.6 (MANE Select); coding-DNA position 884, G replaced by T.
Protein change: p.Arg295Leu; replaces arginine 295 with leucine.
Molecular consequence: missense variant.
Genome position (GRCh38, 1-based): chr11:95,849,783, C>A on the plus strand (G>T on the coding strand, the complement: MTMR2 is on the minus strand). VCF-style: chr11-95849783-C-A. GRCh37 (hg19) VCF-style: chr11-95582947-C-A.
Other names: c.668G>T, p.Arg223Leu (NM_001243571.2, NM_201278.3, NM_201281.3); short protein forms R223L, R295L.
Identifiers: ClinVar variation 1437305 (VCV001437305.8), dbSNP rs777854770, ClinGen allele CA382425485.
Genomic context (GRCh38, chr11:95,849,783, plus strand): 5'-TTGTGAGACTGGGCATTGGAATCCATGATAGCTTGAAGGTATTTTTCATCTTCTTTGCTT[C>A]GCTTTCCACTCACTCCAACCATGGGCTGGCTACACCGAGTGATTGTGGCTTGACTTTCAG-3'
Protein context (NP_057240.3, residues 285-305): SQPMVGVSGK[Arg295Leu]SKEDEKYLQA

ClinVar aggregate classification (germline): Uncertain significance (1 of 4 stars; one submission).

Conditions:
Charcot-Marie-Tooth disease type 4. Also called: Charcot-Marie-Tooth disease, type IV; Charcot-Marie-Tooth, Type 4. Identifiers: Orphanet 64749, MedGen C4082197, MONDO:0018995.

Submission:

Labcorp Genetics (formerly Invitae), Labcorp
Classification: Uncertain significance for Charcot-Marie-Tooth disease type 4. Last evaluated: 2021-05-06. Review status: criteria provided, single submitter. Criteria: Invitae Variant Classification Sherloc (09022015). Collection method: clinical testing. Allele origin: germline.
Comment: Advanced modeling of protein sequence and biophysical properties (such as structural, functional, and spatial information, amino acid conservation, physicochemical variation, residue mobility, and thermodynamic stability) performed at Invitae indicates that this missense variant is expected to disrupt MTMR2 protein function. This variant has not been reported in the literature in individuals with MTMR2-related conditions. This variant is not present in population databases (ExAC no frequency). This sequence change replaces arginine with leucine at codon 295 of the MTMR2 protein (p.Arg295Leu). The arginine residue is highly conserved and there is a moderate physicochemical difference between arginine and leucine. In summary, the available evidence is currently insufficient to determine the role of this variant in disease. Therefore, it has been classified as a Variant of Uncertain Significance.